The following is an entry in ClinVar:

NM_001319074.4(RAX2):c.54G>A (p.Pro18=)

Gene: RAX2 (retina and anterior neural fold homeobox 2; minus strand). Cytogenetic location: 19p13.3.
Variant type: single nucleotide variant.
Coding change: c.54G>A on transcript NM_001319074.4 (MANE Select); coding-DNA position 54, G replaced by A.
Protein change: p.Pro18=; no amino-acid change (proline 18 retained).
Molecular consequence: synonymous variant.
Genome position (GRCh38, 1-based): chr19:3,771,689, C>T on the plus strand (G>A on the coding strand, the complement: RAX2 is on the minus strand). VCF-style: chr19-3771689-C-T. GRCh37 (hg19) VCF-style: chr19-3771687-C-T.
Other names: c.54G>A, p.Pro18= (NM_032753.4); c.54G>A (NM_032753.3).
Identifiers: ClinVar variation 1019155 (VCV001019155.10), dbSNP rs367658021, ClinGen allele CA9085132.
Genomic context (GRCh38, chr19:3,771,689, plus strand): 5'-CTGGTAGGTGGTGAAGGTGGTGCGGTTCCTCCGGTGCTTCTTCTTGGGGGCCTCCTCGCC[C>T]GGCCCCAGACCCCCACCCTCGGTTGCCGGCCCCTCGCCCGGGCTCAGGAACATGGCTCCC-3'
Protein context (NP_001306003.2, residues 8-28): GPATEGGGLG[Pro18=]GEEAPKKKHR

ClinVar aggregate classification (germline): Likely benign. Review status: criteria provided, multiple submitters, no conflicts (2 of 4 stars). 3 submissions from 3 submitters: Likely benign (3). Last evaluated 2026-02-03.

Conditions:
RAX2-related disorder. Also called: RAX2-related disorders; RAX2-related condition.

Allele frequency attached by ClinVar (database versions not stated): ExAC 0.00004; gnomAD 0.00004 and 0.00005; gnomAD exomes 0.00005 and 0.00012; TOPMed 0.00005; ESP Exome Variant Server 0.00008.

Submissions (3):

Labcorp Genetics (formerly Invitae), Labcorp
Classification: Likely benign. Last evaluated: 2026-02-03. Review status: criteria provided, single submitter. Criteria: Invitae Variant Classification Sherloc (09022015). Collection method: clinical testing. Allele origin: germline.

PreventionGenetics, part of Exact Sciences
Classification: Likely benign for RAX2-related condition. Last evaluated: 2025-10-19. Review status: criteria provided, single submitter. Criteria: ACMG Guidelines, 2015. Collection method: clinical testing. Allele origin: germline.
Comment: This variant is classified as likely benign based on ACMG/AMP sequence variant interpretation guidelines (Richards et al. 2015 PMID: 25741868, with internal and published modifications).

Blueprint Genetics
Classification: Likely benign. Last evaluated: 2024-05-13. Review status: criteria provided, single submitter. Criteria: ACMG Guidelines, 2015. Collection method: clinical testing. Allele origin: germline.